The following is an entry in ClinVar:

NM_004415.4(DSP):c.3299G>A (p.Cys1100Tyr)

Gene: DSP (desmoplakin; plus strand). Cytogenetic location: 6p24.3.
Variant type: single nucleotide variant.
Coding change: c.3299G>A on transcript NM_004415.4 (MANE Select); coding-DNA position 3299, G replaced by A.
Protein change: p.Cys1100Tyr; replaces cysteine 1100 with tyrosine.
Molecular consequence: missense variant.
Genome position (GRCh38, 1-based): chr6:7,579,489, G>A. VCF-style: chr6-7579489-G-A. GRCh37 (hg19) VCF-style: chr6-7579722-G-A.
Other names: c.3299G>A, p.Cys1100Tyr (NM_001008844.3, NM_001319034.2); short protein forms C1100Y.
Identifiers: ClinVar variation 4786734 (VCV004786734.1).

ClinVar aggregate classification (germline): Uncertain significance (1 of 4 stars; one submission).

Conditions:
Arrhythmogenic cardiomyopathy with wooly hair and keratoderma. Also called: Carvajal syndrome; PALMOPLANTAR KERATODERMA WITH LEFT VENTRICULAR CARDIOMYOPATHY AND WOOLLY HAIR; Dilated cardiomyopathy with woolly hair and keratoderma; Arrhythmogenic cardiomyopathy with woolly hair and keratoderma. Identifiers: Orphanet 65282, MedGen C1854063, MONDO:0011581, OMIM 605676.
Arrhythmogenic right ventricular dysplasia 8 (ARVD8). Also called: Arrhythmogenic Right Ventricular Dysplasia/Cardiomyopathy 8; ARRHYTHMOGENIC RIGHT VENTRICULAR DYSPLASIA, FAMILIAL, 8; ARRHYTHMOGENIC RIGHT VENTRICULAR CARDIOMYOPATHY 8. Identifiers: MedGen C1843896, MONDO:0011831, OMIM 607450.

Submission:

Labcorp Genetics (formerly Invitae), Labcorp
Classification: Uncertain significance for Arrhythmogenic cardiomyopathy with wooly hair and keratoderma; Arrhythmogenic right ventricular dysplasia 8. Last evaluated: 2025-11-22. Review status: criteria provided, single submitter. Criteria: Invitae Variant Classification Sherloc (09022015). Collection method: clinical testing. Allele origin: germline.
Comment: This sequence change replaces cysteine, which is neutral and slightly polar, with tyrosine, which is neutral and polar, at codon 1100 of the DSP protein (p.Cys1100Tyr). This variant is not present in population databases (gnomAD no frequency). This variant has not been reported in the literature in individuals affected with DSP-related conditions. An algorithm developed to predict the effect of missense changes on protein structure and function (PolyPhen-2) suggests that this variant is likely to be tolerated. In summary, the available evidence is currently insufficient to determine the role of this variant in disease. Therefore, it has been classified as a Variant of Uncertain Significance.